The following is an entry in ClinVar:

NM_018398.3(CACNA2D3):c.225dup (p.Asp76fs)

Gene: CACNA2D3 (calcium voltage-gated channel auxiliary subunit alpha2delta 3; plus strand). Cytogenetic location: 3p21.1.
Variant type: Duplication.
Coding change: c.225dup on transcript NM_018398.3 (MANE Select); coding-DNA position 225, one base duplicated (A; older notation c.225dupA).
Protein change: p.Asp76fs; shifts the reading frame from aspartic acid 76.
Molecular consequence: frameshift variant.
Genome position (GRCh38, 1-based): chr3:54,320,462, A duplicated; the last of 3 consecutive A bases (chr3:54,320,460-54,320,462); duplicating any one gives the same sequence. VCF-style (leftmost placement, unchanged base first): chr3-54320459-G-GA. GRCh37 (hg19) VCF-style: chr3-54354486-G-GA.
Other names: short protein forms D76fs.
Identifiers: ClinVar variation 2631398 (VCV002631398.1), dbSNP rs2471135926, ClinGen allele CA2695197920.

ClinVar aggregate classification (germline): Uncertain significance (1 of 4 stars; one submission).

Conditions:
CACNA2D3-related disorder. Also called: CACNA2D3-related condition.

Submission:

PreventionGenetics, part of Exact Sciences
Classification: Uncertain significance for CACNA2D3-related condition. Last evaluated: 2023-07-27. Review status: criteria provided, single submitter. Criteria: ACMG Guidelines, 2015. Collection method: clinical testing. Allele origin: germline.
Comment: The CACNA2D3 c.225dupA variant is predicted to result in a frameshift and premature protein termination (p.Asp76Argfs*29). To our knowledge, this variant has not been reported in the literature or in a large population database, indicating this variant is rare. Loss of function has not been a well documented mechanism of CACNA2D3-related disease (Human Gene Mutation Database). Although we suspect that this variant may be pathogenic, at this time, the clinical significance of this variant is uncertain due to the absence of conclusive functional and genetic evidence.